The following is an entry in ClinVar:

NM_004304.5(ALK):c.2694G>C (p.Glu898Asp)

Gene: ALK (ALK receptor tyrosine kinase; minus strand). Cytogenetic location: 2p23.2.
Variant type: single nucleotide variant.
Coding change: c.2694G>C on transcript NM_004304.5 (MANE Select); coding-DNA position 2694, G replaced by C.
Protein change: p.Glu898Asp; replaces glutamic acid 898 with aspartic acid.
Molecular consequence: missense variant.
Genome position (GRCh38, 1-based): chr2:29,229,005, C>G on the plus strand (G>C on the coding strand, the complement: ALK is on the minus strand). VCF-style: chr2-29229005-C-G. GRCh37 (hg19) VCF-style: chr2-29451871-C-G.
Other names: c.2694G>C (NM_004304.4); short protein forms E898D.
Identifiers: ClinVar variation 2900238 (VCV002900238.4), dbSNP rs1297457984, ClinGen allele CA346469924.

ClinVar aggregate classification (germline): Uncertain significance. Review status: criteria provided, multiple submitters, no conflicts (2 of 4 stars). 2 submissions from 2 submitters: Uncertain significance (2). Last evaluated 2025-04-13.

Conditions:
Hereditary cancer-predisposing syndrome. Also called: Hereditary Cancer Syndrome; Tumor predisposition; Neoplastic Syndromes, Hereditary; Hereditary neoplastic syndrome. Identifiers: Orphanet 140162, MedGen C0027672, MeSH D009386, MONDO:0015356.
Neuroblastoma, susceptibility to, 3. Also called: ALK-Related Neuroblastic Tumor Susceptibility. Identifiers: Orphanet 635, MedGen C2751681, MONDO:0013083, OMIM 613014.

Allele frequency attached by ClinVar (database versions not stated): TOPMed below 0.00001.

Submissions (2):

Labcorp Genetics (formerly Invitae), Labcorp
Classification: Uncertain significance for Neuroblastoma, susceptibility to, 3. Last evaluated: 2025-04-13. Review status: criteria provided, single submitter. Criteria: Invitae Variant Classification Sherloc (09022015). Collection method: clinical testing. Allele origin: germline.
Comment: This sequence change replaces glutamic acid, which is acidic and polar, with aspartic acid, which is acidic and polar, at codon 898 of the ALK protein (p.Glu898Asp). This variant is not present in population databases (gnomAD no frequency). This variant has not been reported in the literature in individuals affected with ALK-related conditions. ClinVar contains an entry for this variant (Variation ID: 2900238). An algorithm developed to predict the effect of missense changes on protein structure and function (PolyPhen-2) suggests that this variant is likely to be disruptive. In summary, the available evidence is currently insufficient to determine the role of this variant in disease. Therefore, it has been classified as a Variant of Uncertain Significance.

Ambry Genetics
Classification: Uncertain significance for Hereditary cancer-predisposing syndrome. Last evaluated: 2024-06-08. Review status: criteria provided, single submitter. Criteria: Ambry Variant Classification Scheme 2023. Collection method: clinical testing. Allele origin: germline.
Comment: The p.E898D variant (also known as c.2694G>C), located in coding exon 16 of the ALK gene, results from a G to C substitution at nucleotide position 2694. The glutamic acid at codon 898 is replaced by aspartic acid, an amino acid with highly similar properties. This amino acid position is conserved. In addition, this alteration is predicted to be tolerated by in silico analysis. Based on the available evidence, the clinical significance of this variant remains unclear.